The following is an entry in ClinVar:

NM_015978.3(TNNI3K):c.1922G>A (p.Arg641Gln)

Genes: FPGT-TNNI3K (FPGT-TNNI3K readthrough; plus strand), TNNI3K (TNNI3 interacting kinase; plus strand). Cytogenetic location: 1p31.1.
Variant type: single nucleotide variant.
Coding change: c.1922G>A on transcript NM_015978.3 (MANE Select); coding-DNA position 1922, G replaced by A.
Protein change: p.Arg641Gln; replaces arginine 641 with glutamine.
Molecular consequence: missense variant.
Genome position (GRCh38, 1-based): chr1:74,439,533, G>A. VCF-style: chr1-74439533-G-A. GRCh37 (hg19) VCF-style: chr1-74905217-G-A.
Other names: c.2225G>A, p.Arg742Gln (NM_001112808.3, NM_001199327.2); short protein forms R641Q, R742Q.
Identifiers: ClinVar variation 1350584 (VCV001350584.7), dbSNP rs200171980, ClinGen allele CA909516.

ClinVar aggregate classification (germline): Uncertain significance. Review status: criteria provided, multiple submitters, no conflicts (2 of 4 stars). 2 submissions from 2 submitters: Uncertain significance (2). Last evaluated 2025-07-02.

Allele frequency attached by ClinVar (database versions not stated): TOPMed below 0.00001; ExAC 0.00001; gnomAD 0.00001; gnomAD exomes 0.00001.
gnomAD v4.1: 14 of 1,613,296 alleles (0.00087%); highest among the groups gnomAD compares: East Asian, 0.0045%; no homozygotes.

Submissions (2):

Labcorp Genetics (formerly Invitae), Labcorp
Classification: Uncertain significance. Last evaluated: 2025-07-02. Review status: criteria provided, single submitter. Criteria: Invitae Variant Classification Sherloc (09022015). Collection method: clinical testing. Allele origin: germline.
Comment: This sequence change replaces arginine, which is basic and polar, with glutamine, which is neutral and polar, at codon 641 of the TNNI3K protein (p.Arg641Gln). The frequency data for this variant in the population databases is considered unreliable, as metrics indicate poor data quality at this position in the gnomAD database. This variant has not been reported in the literature in individuals affected with TNNI3K-related conditions. ClinVar contains an entry for this variant (Variation ID: 1350584). An algorithm developed to predict the effect of missense changes on protein structure and function (PolyPhen-2) suggests that this variant is likely to be tolerated. In summary, the available evidence is currently insufficient to determine the role of this variant in disease. Therefore, it has been classified as a Variant of Uncertain Significance.

Blueprint Genetics
Classification: Uncertain significance. Last evaluated: 2019-12-19. Review status: criteria provided, single submitter. Criteria: ACMG Guidelines, 2015. Collection method: clinical testing. Allele origin: germline.